The following is an entry in ClinVar:

ClinVar aggregate classification (germline): Uncertain significance (1 of 4 stars; one submission).

Conditions:
Cardiovascular phenotype. Identifiers: MedGen CN230736.

gnomAD v4.1: 1 of 1,613,982 alleles (0.000062%); highest among the groups gnomAD compares: Non-Finnish European, 0.000085%; no homozygotes.

Submission:

Ambry Genetics
Classification: Uncertain significance for Cardiovascular phenotype. Last evaluated: 2021-05-13. Review status: criteria provided, single submitter. Criteria: Ambry Variant Classification Scheme 2023. Collection method: clinical testing. Allele origin: germline.
Comment: The p.E305K variant (also known as c.913G>A), located in coding exon 10 of the CACNB2 gene, results from a G to A substitution at nucleotide position 913. The glutamic acid at codon 305 is replaced by lysine, an amino acid with similar properties. This amino acid position is highly conserved in available vertebrate species. In addition, this alteration is predicted to be deleterious by in silico analysis. Since supporting evidence is limited at this time, the clinical significance of this alteration remains unclear.

NM_201596.3(CACNB2):c.1075G>A (p.Glu359Lys)

Gene: CACNB2 (calcium voltage-gated channel auxiliary subunit beta 2; plus strand). Cytogenetic location: 10p12.31.
Variant type: single nucleotide variant.
Coding change: c.1075G>A on transcript NM_201596.3 (MANE Select); coding-DNA position 1075, G replaced by A.
Protein change: p.Glu359Lys; replaces glutamic acid 359 with lysine.
Molecular consequence: missense variant.
Genome position (GRCh38, 1-based): chr10:18,534,096, G>A. VCF-style: chr10-18534096-G-A. GRCh37 (hg19) VCF-style: chr10-18823025-G-A.
Other names: c.910G>A, p.Glu304Lys (NM_000724.4); c.877G>A, p.Glu293Lys (NM_001167945.2); c.796G>A, p.Glu266Lys (NM_001330060.2); c.817G>A, p.Glu273Lys (NM_001410882.1); c.931G>A, p.Glu311Lys (NM_201570.3); c.991G>A, p.Glu331Lys (NM_201571.4); c.919G>A, p.Glu307Lys (NM_201572.4); c.913G>A, p.Glu305Lys (NM_201590.3); and 2 more; short protein forms E305K, E331K, E359K, E273K, E293K, E304K, E321K, E266K.
Identifiers: ClinVar variation 1765938 (VCV001765938.2), dbSNP rs112164873, ClinGen allele CA376067618.